The following is an entry in ClinVar:

NM_001378477.3(NYX):c.380C>G (p.Ala127Gly)

Gene: NYX (nyctalopin; plus strand). Cytogenetic location: Xp11.4.
Variant type: single nucleotide variant.
Coding change: c.380C>G on transcript NM_001378477.3 (MANE Select); coding-DNA position 380, C replaced by G.
Protein change: p.Ala127Gly; replaces alanine 127 with glycine.
Molecular consequence: missense variant.
Genome position (GRCh38, 1-based): chrX:41,473,848, C>G. VCF-style: chrX-41473848-C-G. GRCh37 (hg19) VCF-style: chrX-41333101-C-G.
Other names: c.380C>G, p.Ala127Gly (NM_022567.3); short protein forms A127G.
Identifiers: ClinVar variation 2178993 (VCV002178993.4), dbSNP rs770131559, ClinGen allele CA329217041.

ClinVar aggregate classification (germline): Uncertain significance (1 of 4 stars; one submission).

gnomAD v4.1: 5 of 1,101,364 alleles (0.00045%); highest among the groups gnomAD compares: African/African-American, 0.0096%; no homozygotes.

Submission:

Labcorp Genetics (formerly Invitae), Labcorp
Classification: Uncertain significance. Last evaluated: 2025-03-31. Review status: criteria provided, single submitter. Criteria: Invitae Variant Classification Sherloc (09022015). Collection method: clinical testing. Allele origin: germline.
Comment: This sequence change replaces alanine, which is neutral and non-polar, with glycine, which is neutral and non-polar, at codon 132 of the NYX protein (p.Ala132Gly). This variant is present in population databases (no rsID available, gnomAD 0.02%). This variant has not been reported in the literature in individuals affected with NYX-related conditions. ClinVar contains an entry for this variant (Variation ID: 2178993). Invitae Evidence Modeling of protein sequence and biophysical properties (such as structural, functional, and spatial information, amino acid conservation, physicochemical variation, residue mobility, and thermodynamic stability) indicates that this missense variant is not expected to disrupt NYX protein function with a negative predictive value of 80%. In summary, the available evidence is currently insufficient to determine the role of this variant in disease. Therefore, it has been classified as a Variant of Uncertain Significance.